The following is an entry in ClinVar:

ClinVar aggregate classification (germline): Pathogenic. Review status: criteria provided, multiple submitters, no conflicts (2 of 4 stars). 2 submissions from 2 submitters: Pathogenic (2). Last evaluated 2024-08-19.

Conditions:
Hereditary cancer-predisposing syndrome. Also called: Neoplastic Syndromes, Hereditary; Tumor predisposition; Hereditary Cancer Syndrome; Hereditary neoplastic syndrome. Identifiers: Orphanet 140162, MedGen C0027672, MeSH D009386, MONDO:0015356.
Familial cancer of breast. Also called: Hereditary breast cancer; BREAST CANCER, FAMILIAL; hereditary breast carcinoma. Identifiers: Orphanet 227535, MedGen C0346153, MONDO:0016419, OMIM 114480. Disease mechanism: loss of function.

Allele frequency attached by ClinVar (database versions not stated): gnomAD exomes below 0.00001.

Submissions (2):

Ambry Genetics
Classification: Pathogenic for Hereditary cancer-predisposing syndrome. Last evaluated: 2024-08-19. Review status: criteria provided, single submitter. Criteria: Ambry Variant Classification Scheme 2023. Collection method: clinical testing. Allele origin: germline.
Comment: The c.716delG pathogenic mutation, located in coding exon 8 of the BRCA2 gene, results from a deletion of one nucleotide at nucleotide position 716, causing a translational frameshift with a predicted alternate stop codon (p.S239Ifs*2). This variant is considered to be rare based on population cohorts in the Genome Aggregation Database (gnomAD). This alteration is expected to result in loss of function by premature protein truncation or nonsense-mediated mRNA decay. As such, this alteration is interpreted as a disease-causing mutation.

Baylor Genetics
Classification: Pathogenic for Familial cancer of breast. Last evaluated: 2023-02-23. Review status: criteria provided, single submitter. Criteria: ACMG Guidelines, 2015. Collection method: clinical testing. Allele origin: unknown.

NM_000059.4(BRCA2):c.716del (p.Ser239fs)

Gene: BRCA2 (BRCA2 DNA repair associated; plus strand). Cytogenetic location: 13q13.1.
Variant type: Deletion.
Coding change: c.716del on transcript NM_000059.4 (MANE Select); coding-DNA position 716, one base deleted (G; older notation c.716delG).
Protein change: p.Ser239fs; shifts the reading frame from serine 239.
Molecular consequence: frameshift variant.
Genome position (GRCh38, 1-based): chr13:32,330,953, G deleted. VCF-style (leftmost placement, unchanged base first): chr13-32330952-AG-A. GRCh37 (hg19) VCF-style: chr13-32905089-AG-A.
Other names: c.716delG, p.Ser239Ilefs (NM_001406719.1, NM_001406720.1, NM_001406721.1); c.347delG, p.Ser116Ilefs (NM_001406722.1); short protein forms S239fs.
Identifiers: ClinVar variation 1757470 (VCV001757470.4), dbSNP rs2548517938, ClinGen allele CA2580087072.